The following is an entry in ClinVar:

NM_000492.4(CFTR):c.979C>G (p.Leu327Val)

Gene: CFTR (CF transmembrane conductance regulator; plus strand). Cytogenetic location: 7q31.2.
Variant type: single nucleotide variant.
Coding change: c.979C>G on transcript NM_000492.4 (MANE Select); coding-DNA position 979, C replaced by G.
Protein change: p.Leu327Val; replaces leucine 327 with valine.
Molecular consequence: missense variant.
Genome position (GRCh38, 1-based): chr7:117,540,209, C>G. VCF-style: chr7-117540209-C-G. GRCh37 (hg19) VCF-style: chr7-117180263-C-G.
Other names: short protein forms L327V.
Identifiers: ClinVar variation 1768222 (VCV001768222.2), dbSNP rs1360839108, ClinGen allele CA368978605.

ClinVar aggregate classification (germline): Uncertain significance (1 of 4 stars; one submission).

Conditions:
Cystic fibrosis (CF). Also called: MUCOVISCIDOSIS. Identifiers: Orphanet 586, MedGen C0010674, MONDO:0009061, OMIM 219700. Disease mechanism: loss of function.

gnomAD v4.1: 2 of 1,614,060 alleles (0.00012%); highest among the groups gnomAD compares: South Asian, 0.0011%; no homozygotes.

Submission:

Ambry Genetics
Classification: Uncertain significance for Cystic fibrosis. Last evaluated: 2015-11-13. Review status: criteria provided, single submitter. Criteria: Ambry Variant Classification Scheme 2023. Collection method: clinical testing. Allele origin: germline.
Comment: The p.L327V variant (also known as c.979C>G), located in coding exon 8 of the CFTR gene, results from a C to G substitution at nucleotide position 979. The leucine at codon 327 is replaced by valine, an amino acid with highly similar properties. This variant was not reported in population based cohorts in the following databases: Database of Single Nucleotide Polymorphisms (dbSNP), NHLBI Exome Sequencing Project (ESP), and 1000 Genomes Project. In the ESP, this variant was not observed in 6503 samples (13006 alleles) with coverage at this position. This amino acid position is not well conserved in available vertebrate species. In addition, the in silico prediction for this alteration is inconclusive. Since supporting evidence is limited at this time, the clinical significance of this variant remains unclear.